The following is an entry in ClinVar:

ClinVar aggregate classification (germline): Uncertain significance (1 of 4 stars; one submission).

Conditions:
Developmental and epileptic encephalopathy, 23 (DEE23). Also called: Epileptic encephalopathy, early infantile, 23. Identifiers: Orphanet 411986, MedGen C4014492, MONDO:0014371, OMIM 615859.

Allele frequency attached by ClinVar (database versions not stated): gnomAD exomes below 0.00001; gnomAD 0.00001; TOPMed 0.00001; ESP Exome Variant Server 0.00008.
gnomAD v4.1: 7 of 1,611,570 alleles (0.00043%); highest among the groups gnomAD compares: Non-Finnish European, 0.00059%; no homozygotes.

Submission:

Labcorp Genetics (formerly Invitae), Labcorp
Classification: Uncertain significance for Developmental and epileptic encephalopathy, 23. Last evaluated: 2022-08-17. Review status: criteria provided, single submitter. Criteria: Invitae Variant Classification Sherloc (09022015). Collection method: clinical testing. Allele origin: germline.
Comment: This sequence change replaces glycine, which is neutral and non-polar, with glutamic acid, which is acidic and polar, at codon 1842 of the DOCK7 protein (p.Gly1842Glu). This variant is not present in population databases (gnomAD no frequency). This variant has not been reported in the literature in individuals affected with DOCK7-related conditions. ClinVar contains an entry for this variant (Variation ID: 948756). Algorithms developed to predict the effect of missense changes on protein structure and function (SIFT, PolyPhen-2, Align-GVGD) all suggest that this variant is likely to be disruptive. In summary, the available evidence is currently insufficient to determine the role of this variant in disease. Therefore, it has been classified as a Variant of Uncertain Significance.

NM_001367561.1(DOCK7):c.5558G>A (p.Gly1853Glu)

Gene: DOCK7 (dedicator of cytokinesis 7; minus strand). Cytogenetic location: 1p31.3.
Variant type: single nucleotide variant.
Coding change: c.5558G>A on transcript NM_001367561.1 (MANE Select); coding-DNA position 5558, G replaced by A.
Protein change: p.Gly1853Glu; replaces glycine 1853 with glutamic acid.
Molecular consequence: missense variant.
Genome position (GRCh38, 1-based): chr1:62,477,776, C>T on the plus strand (G>A on the coding strand, the complement: DOCK7 is on the minus strand). VCF-style: chr1-62477776-C-T. GRCh37 (hg19) VCF-style: chr1-62943447-C-T.
Other names: c.5525G>A, p.Gly1842Glu (NM_001271999.2); c.5438G>A, p.Gly1813Glu (NM_001272000.2); c.5432G>A, p.Gly1811Glu (NM_001272001.2); c.5531G>A, p.Gly1844Glu (NM_001330614.2); c.5465G>A, p.Gly1822Glu (NM_033407.4); short protein forms G1842E, G1822E, G1811E, G1813E, G1844E, G1853E.
Identifiers: ClinVar variation 948756 (VCV000948756.7), dbSNP rs371887075, ClinGen allele CA23750459.